The following is an entry in ClinVar:

NM_206937.2(LIG4):c.892T>C (p.Tyr298His)

Gene: LIG4 (DNA ligase 4; minus strand). Cytogenetic location: 13q33.3.
Variant type: single nucleotide variant.
Coding change: c.892T>C on transcript NM_206937.2 (MANE Select); coding-DNA position 892, T replaced by C.
Protein change: p.Tyr298His; replaces tyrosine 298 with histidine.
Molecular consequence: missense variant.
Genome position (GRCh38, 1-based): chr13:108,210,377, A>G on the plus strand (T>C on the coding strand, the complement: LIG4 is on the minus strand). VCF-style: chr13-108210377-A-G. GRCh37 (hg19) VCF-style: chr13-108862725-A-G.
Other names: c.892T>C, p.Tyr298His (NM_001098268.2, NM_001352598.2, NM_001352599.2 and 6 more transcripts); c.691T>C, p.Tyr231His (NM_001330595.2); c.928T>C, p.Tyr310His (NM_001352604.2); short protein forms Y231H, Y298H, Y310H.
Identifiers: ClinVar variation 1020971 (VCV001020971.7), dbSNP rs1878508514, ClinGen allele CA388619387.

ClinVar aggregate classification (germline): Uncertain significance. Review status: criteria provided, multiple submitters, no conflicts (2 of 4 stars). 2 submissions from 2 submitters: Uncertain significance (2). Last evaluated 2026-02-11.

Conditions:
DNA ligase IV deficiency. Identifiers: Orphanet 99812, MedGen C1847827, MONDO:0011686, OMIM 606593.

Allele frequency attached by ClinVar (database versions not stated): TOPMed 0.00001; gnomAD exomes 0.00002.
gnomAD v4.1: 24 of 1,613,928 alleles (0.0015%); highest among the groups gnomAD compares: Non-Finnish European, 0.0019%; no homozygotes.

Submissions (2):

Women's Health and Genetics/Laboratory Corporation of America, LabCorp
Classification: Uncertain significance. Last evaluated: 2026-02-11. Review status: criteria provided, single submitter. Criteria: LabCorp Variant Classification Summary - May 2015. Collection method: clinical testing. Allele origin: germline.
Comment: Variant summary: LIG4 c.892T>C (p.Tyr298His) results in a conservative amino acid change in the encoded protein sequence. Algorithms developed to predict the effect of missense changes on protein structure and function are either unavailable or do not agree on the potential impact of this missense change. The variant was absent in 251124 control chromosomes. The available data on variant occurrences in the general population are insufficient to allow any conclusion about variant significance. To our knowledge, no occurrence of c.892T>C in individuals affected with LIG4-related conditions and no experimental evidence demonstrating its impact on protein function have been reported. ClinVar contains an entry for this variant (Variation ID: 1020971). Based on the evidence outlined above, the variant was classified as uncertain significance.

Labcorp Genetics (formerly Invitae), Labcorp
Classification: Uncertain significance for DNA ligase IV deficiency. Last evaluated: 2021-09-01. Review status: criteria provided, single submitter. Criteria: Invitae Variant Classification Sherloc (09022015). Collection method: clinical testing. Allele origin: germline.
Comment: This sequence change replaces tyrosine with histidine at codon 298 of the LIG4 protein (p.Tyr298His). The tyrosine residue is highly conserved and there is a moderate physicochemical difference between tyrosine and histidine. This variant is not present in population databases (ExAC no frequency). This variant has not been reported in the literature in individuals affected with LIG4-related conditions. Algorithms developed to predict the effect of missense changes on protein structure and function (SIFT, PolyPhen-2, Align-GVGD) all suggest that this variant is likely to be disruptive. In summary, the available evidence is currently insufficient to determine the role of this variant in disease. Therefore, it has been classified as a Variant of Uncertain Significance.